The following is an entry in ClinVar:

ClinVar aggregate classification (germline): Uncertain significance (1 of 4 stars; one submission).

Conditions:
Hereditary breast ovarian cancer syndrome. Also called: Hereditary breast and ovarian cancer syndrome; Hereditary breast and ovarian cancer syndrome (HBOC); BRCA1- and BRCA2-Associated Hereditary Breast and Ovarian Cancer; Hereditary breast and/or ovarian cancer syndrome; Hereditary breast and ovarian cancer; Breast and ovarian cancer. Identifiers: Orphanet 145, MedGen C0677776, MeSH D061325, MONDO:0003582. Disease mechanism: loss of function.

Submission:

Labcorp Genetics (formerly Invitae), Labcorp
Classification: Uncertain significance for Hereditary breast ovarian cancer syndrome. Last evaluated: 2018-05-20. Review status: criteria provided, single submitter. Criteria: Invitae Variant Classification Sherloc (09022015). Collection method: clinical testing. Allele origin: germline.
Comment: In summary, the available evidence is currently insufficient to determine the role of this variant in disease. Therefore, it has been classified as a Variant of Uncertain Significance. Experimental studies and prediction algorithms are not available for this variant, and the functional significance of the deleted amino acid is currently unknown. This variant has not been reported in the literature in individuals with BRCA2-related disease. This variant is not present in population databases (ExAC no frequency). This variant, c.3106_3108delGAA, results in the deletion of 1 amino acid of the BRCA2 protein (p.Glu1036del), but otherwise preserves the integrity of the reading frame.

NM_000059.4(BRCA2):c.3103GAA[1] (p.Glu1036del)

Gene: BRCA2 (BRCA2 DNA repair associated; plus strand). Cytogenetic location: 13q13.1.
Variant type: Microsatellite.
Coding change: c.3103GAA[1] on transcript NM_000059.4 (MANE Select); one copy of the 3-base unit GAA starting at c.3103; the reference has two copies in a row; one copy, 3 bases deleted.
Protein change: p.Glu1036del; deletes glutamic acid 1036.
Molecular consequence: inframe deletion.
Genome position (GRCh38, 1-based): chr13:32,337,461-32,337,463, GAA deleted; deleting any 3 consecutive bases within chr13:32,337,458-32,337,463 gives the same sequence; the position shown is the placement nearest the transcript's 3' end. VCF-style (leftmost placement, unchanged base first): chr13-32337457-TGAA-T. GRCh37 (hg19) VCF-style: chr13-32911594-TGAA-T.
Other names: c.3106_3108delGAA (NM_000059.3); short protein forms E1036del.
Identifiers: ClinVar variation 580654 (VCV000580654.9), dbSNP rs1566227801, ClinGen allele CA891844450.